The following is an entry in ClinVar:

ClinVar aggregate classification (germline): Uncertain significance. Review status: criteria provided, multiple submitters, no conflicts (2 of 4 stars). 5 submissions from 5 submitters: Uncertain significance (4). 1 of the submissions does not count toward it. Last evaluated 2025-07-14.

Conditions:
Hereditary cancer-predisposing syndrome. Also called: Hereditary Cancer Syndrome; Hereditary neoplastic syndrome; Neoplastic Syndromes, Hereditary; Tumor predisposition. Identifiers: Orphanet 140162, MedGen C0027672, MeSH D009386, MONDO:0015356.
Fanconi anemia (FA). Also called: Fanconi's anemia. Identifiers: Orphanet 84, MedGen C0015625, MeSH D005199, MONDO:0019391.
Fanconi anemia complementation group C (FANCC). Also called: Fanconi anemia, group C; FANCC-Related Fanconi Anemia; FANCONI PANCYTOPENIA, TYPE 3; FACC. Identifiers: Orphanet 84, MedGen C3468041, MONDO:0009213, OMIM 227645.

Allele frequency attached by ClinVar (database versions not stated): gnomAD 0.00002; TOPMed 0.00002.
gnomAD v4.1: 7 of 1,613,956 alleles (0.00043%); highest among the groups gnomAD compares: African/African-American, 0.0093%; no homozygotes.

Submissions (5):

Labcorp Genetics (formerly Invitae), Labcorp
Classification: Uncertain significance for Fanconi anemia. Last evaluated: 2025-07-14. Review status: criteria provided, single submitter. Criteria: Invitae Variant Classification Sherloc (09022015). Collection method: clinical testing. Allele origin: germline.
Comment: This sequence change replaces proline, which is neutral and non-polar, with alanine, which is neutral and non-polar, at codon 189 of the FANCC protein (p.Pro189Ala). This variant is present in population databases (no rsID available, gnomAD 0.007%). This missense change has been observed in individual(s) with ependymoma (PMID: 26580448). ClinVar contains an entry for this variant (Variation ID: 216289). Invitae Evidence Modeling of protein sequence and biophysical properties (such as structural, functional, and spatial information, amino acid conservation, physicochemical variation, residue mobility, and thermodynamic stability) indicates that this missense variant is expected to disrupt FANCC protein function with a positive predictive value of 80%. In summary, the available evidence is currently insufficient to determine the role of this variant in disease. Therefore, it has been classified as a Variant of Uncertain Significance.

Fulgent Genetics
Classification: Uncertain significance for Fanconi anemia complementation group C. Last evaluated: 2024-06-24. Review status: criteria provided, single submitter. Criteria: ACMG Guidelines, 2015. Collection method: clinical testing. Allele origin: germline.

Ambry Genetics
Classification: Uncertain significance for Hereditary cancer-predisposing syndrome. Last evaluated: 2023-02-25. Review status: criteria provided, single submitter. Criteria: Ambry Variant Classification Scheme 2023. Collection method: clinical testing. Allele origin: germline.
Comment: The p.P189A variant (also known as c.565C>G), located in coding exon 6 of the FANCC gene, results from a C to G substitution at nucleotide position 565. The proline at codon 189 is replaced by alanine, an amino acid with highly similar properties. This variant has been reported in 1/1120 pediatric cancer patients who underwent whole genome sequencing and/or whole exome sequencing; this patient was diagnosed with an ependymoma (Zhang J et al. N Engl J Med, 2015 Dec;373:2336-2346). This amino acid position is highly conserved in available vertebrate species. In addition, the in silico prediction for this alteration is inconclusive. Since supporting evidence is limited at this time, the clinical significance of this alteration remains unclear.

Women's Health and Genetics/Laboratory Corporation of America, LabCorp
Classification: Uncertain significance. Last evaluated: 2022-06-23. Review status: criteria provided, single submitter. Criteria: LabCorp Variant Classification Summary - May 2015. Collection method: clinical testing. Allele origin: germline.
Comment: Variant summary: FANCC c.565C>G (p.Pro189Ala) results in a non-conservative amino acid change in the encoded protein sequence. Four of five in-silico tools predict a damaging effect of the variant on protein function. The variant allele was found at a frequency of 4e-06 in 251376 control chromosomes (gnomAD). The available data on variant occurrences in the general population are insufficient to allow any conclusion about variant significance. c.565C>G has been reported in the literature in an individual diagnosed with Ependymoma, and the authors classified the variant as VUS (Zhang_2015). This report does not provide unequivocal conclusions about association of the variant with Fanconi Anemia Group C. To our knowledge, no experimental evidence demonstrating an impact on protein function has been reported. Two clinical diagnostic laboratories have submitted clinical-significance assessments for this variant to ClinVar after 2014 and all classified the variant as uncertain significance. Based on the evidence outlined above, the variant was classified as uncertain significance.

Natera, Inc.
Classification: Uncertain significance for Fanconi anemia, group C. Last evaluated: 2020-09-16. Review status: no assertion criteria provided. Collection method: clinical testing. Allele origin: germline. Not counted in ClinVar's aggregate classification.

Literature cited by the submitters: PubMed 26580448 (cited by 3 submitters).

NM_000136.3(FANCC):c.565C>G (p.Pro189Ala)

Genes: AOPEP (aminopeptidase O (putative); plus strand), FANCC (FA complementation group C; minus strand). Cytogenetic location: 9q22.32.
Variant type: single nucleotide variant.
Coding change: c.565C>G on transcript NM_000136.3 (MANE Select); coding-DNA position 565, C replaced by G.
Protein change: p.Pro189Ala; replaces proline 189 with alanine.
Molecular consequence: missense variant.
Genome position (GRCh38, 1-based): chr9:95,150,044, G>C on the plus strand (C>G on the coding strand, the complement: FANCC is on the minus strand). VCF-style: chr9-95150044-G-C. GRCh37 (hg19) VCF-style: chr9-97912326-G-C.
Other names: c.565C>G, p.Pro189Ala (NM_001243743.2, NM_001243744.2); short protein forms P189A.
Identifiers: ClinVar variation 216289 (VCV000216289.13), dbSNP rs377620735, ClinGen allele CA339230.